The following is an entry in ClinVar:

ClinVar aggregate classification (germline): Likely benign (0 of 4 stars; one submission).

Conditions:
CYP7B1-related disorder. Also called: CYP7B1-related condition.

Allele frequency attached by ClinVar (database versions not stated): gnomAD 0.00124; 1000 Genomes Project 30x 0.00078; TOPMed 0.00148; 1000 Genomes Project 0.00100.
gnomAD v4.1: 186 of 152,280 alleles (0.12%); highest among the groups gnomAD compares: African/African-American, 0.42%; no homozygotes.

Submission:

PreventionGenetics, part of Exact Sciences
Classification: Likely benign for CYP7B1-related condition. Last evaluated: 2023-10-11. Review status: no assertion criteria provided. Collection method: clinical testing. Allele origin: germline.
Comment: This variant is classified as likely benign based on ACMG/AMP sequence variant interpretation guidelines (Richards et al. 2015 PMID: 25741868, with internal and published modifications).

NM_001324112.2(CYP7B1):c.1262G>A (p.Gly421Glu)

Gene: CYP7B1 (cytochrome P450 family 7 subfamily B member 1; minus strand). Cytogenetic location: 8q12.3.
Variant type: single nucleotide variant.
Coding change: c.1262G>A on transcript NM_001324112.2; coding-DNA position 1262, G replaced by A.
Protein change: p.Gly421Glu; replaces glycine 421 with glutamic acid.
Molecular consequence: missense variant.
Genome position (GRCh38, 1-based): chr8:64,589,816, C>T on the plus strand (G>A on the coding strand, the complement: CYP7B1 is on the minus strand). VCF-style: chr8-64589816-C-T. GRCh37 (hg19) VCF-style: chr8-65502373-C-T.
Other names: short protein forms G421E.
Identifiers: ClinVar variation 3033706 (VCV003033706.2), dbSNP rs73689548, ClinGen allele CA178379112.